The following is an entry in ClinVar:

NM_002485.5(NBN):c.1490C>T (p.Thr497Ile)

Gene: NBN (nibrin; minus strand). Cytogenetic location: 8q21.3.
Variant type: single nucleotide variant.
Coding change: c.1490C>T on transcript NM_002485.5 (MANE Select); coding-DNA position 1490, C replaced by T.
Protein change: p.Thr497Ile; replaces threonine 497 with isoleucine.
Molecular consequence: missense variant.
Genome position (GRCh38, 1-based): chr8:89,953,599, G>A on the plus strand (C>T on the coding strand, the complement: NBN is on the minus strand). VCF-style: chr8-89953599-G-A. GRCh37 (hg19) VCF-style: chr8-90965827-G-A.
Other names: c.1244C>T, p.Thr415Ile (NM_001024688.3); short protein forms T497I, T415I.
Identifiers: ClinVar variation 630030 (VCV000630030.7), dbSNP rs1563527011, ClinGen allele CA371655748.

ClinVar aggregate classification (germline): Uncertain significance (1 of 4 stars; one submission).

Conditions:
Microcephaly, normal intelligence and immunodeficiency (NBS). Also called: BERLIN BREAKAGE SYNDROME; Ataxia telangiectasia variant V1; IMMUNODEFICIENCY, MICROCEPHALY, AND CHROMOSOMAL INSTABILITY; SEEMANOVA SYNDROME II; Immunodeficiency, microcephaly with normal intelligence; Nijmegen breakage syndrome. Identifiers: Orphanet 647, MedGen C0398791, MONDO:0009623, OMIM 251260.

Allele frequency attached by ClinVar (database versions not stated): gnomAD exomes below 0.00001.
gnomAD v4.1: 3 of 1,613,398 alleles (0.00019%); highest among the groups gnomAD compares: South Asian, 0.0011%; no homozygotes.

Submission:

Labcorp Genetics (formerly Invitae), Labcorp
Classification: Uncertain significance for Microcephaly, normal intelligence and immunodeficiency. Last evaluated: 2021-09-01. Review status: criteria provided, single submitter. Criteria: Invitae Variant Classification Sherloc (09022015). Collection method: clinical testing. Allele origin: germline.
Comment: This sequence change replaces threonine with isoleucine at codon 497 of the NBN protein (p.Thr497Ile). The threonine residue is weakly conserved and there is a moderate physicochemical difference between threonine and isoleucine. This variant is not present in population databases (ExAC no frequency). This missense change has been observed in individual(s) with pancreatic cancer (PMID: 28726808). ClinVar contains an entry for this variant (Variation ID: 630030). Algorithms developed to predict the effect of missense changes on protein structure and function output the following: SIFT: "Tolerated"; PolyPhen-2: "Benign"; Align-GVGD: "Class C0". The isoleucine amino acid residue is found in multiple mammalian species, which suggests that this missense change does not adversely affect protein function. In summary, the available evidence is currently insufficient to determine the role of this variant in disease. Therefore, it has been classified as a Variant of Uncertain Significance.

Literature cited by the submitters: PubMed 28726808.